The following is an entry in ClinVar:

ClinVar aggregate classification (germline): Benign (1 of 4 stars; one submission).

Allele frequency attached by ClinVar (database versions not stated): TOPMed 0.97131; gnomAD 0.97247 and 0.97448; 1000 Genomes Project 0.97384; 1000 Genomes Project 30x 0.97408; gnomAD exomes 0.99666.
gnomAD v4.1: 580,653 of 586,076 alleles (99%); highest among the groups gnomAD compares: East Asian, 100%; 287,823 homozygotes.

Submission:

GeneDx
Classification: Benign. Last evaluated: 2018-06-14. Review status: criteria provided, single submitter. Criteria: GeneDx Variant Classification (06012015). Collection method: clinical testing. Allele origin: germline. Affected: yes.
Comment: This variant is considered likely benign or benign based on one or more of the following criteria: it is a conservative change, it occurs at a poorly conserved position in the protein, it is predicted to be benign by multiple in silico algorithms, and/or has population frequency not consistent with disease.

NM_032119.4(ADGRV1):c.16196+147T>C

Gene: ADGRV1 (adhesion G protein-coupled receptor V1; plus strand). Cytogenetic location: 5q14.3.
Variant type: single nucleotide variant.
Coding change: c.16196+147T>C on transcript NM_032119.4 (MANE Select); 147 bases into the intron after coding-DNA position 16196, T replaced by C.
Molecular consequence: intron variant.
Genome position (GRCh38, 1-based): chr5:90,815,883, T>C. VCF-style: chr5-90815883-T-C. GRCh37 (hg19) VCF-style: chr5-90111700-T-C.
Identifiers: ClinVar variation 678812 (VCV000678812.1), dbSNP rs2443080, ClinGen allele CA122824922.